The following is an entry in ClinVar:

NM_003579.4(RAD54L):c.1973T>C (p.Leu658Pro)

Genes: LRRC41 (leucine rich repeat containing 41; minus strand), RAD54L (RAD54 like; plus strand). Cytogenetic location: 1p34.1.
Variant type: single nucleotide variant.
Coding change: c.1973T>C on transcript NM_003579.4 (MANE Select); coding-DNA position 1973, T replaced by C.
Protein change: p.Leu658Pro; replaces leucine 658 with proline.
Molecular consequence: missense variant. On other transcripts: 3 prime UTR variant (1).
Genome position (GRCh38, 1-based): chr1:46,277,920, T>C. VCF-style: chr1-46277920-T-C. GRCh37 (hg19) VCF-style: chr1-46743592-T-C.
Other names: c.*945A>G (NM_006369.5); c.1973T>C, p.Leu658Pro (NM_001142548.2); c.1433T>C, p.Leu478Pro (NM_001370766.1); short protein forms L478P, L658P.
Identifiers: ClinVar variation 1783664 (VCV001783664.2), dbSNP rs2525729892, ClinGen allele CA340190001.

ClinVar aggregate classification (germline): Uncertain significance (1 of 4 stars; one submission).

Allele frequency attached by ClinVar (database versions not stated): gnomAD exomes below 0.00001.
gnomAD v4.1: 1 of 1,614,154 alleles (0.000062%); highest among the groups gnomAD compares: Admixed American, 0.0017%; no homozygotes.

Submission:

Ambry Genetics
Classification: Uncertain significance. Last evaluated: 2021-09-13. Review status: criteria provided, single submitter. Criteria: Ambry Variant Classification Scheme 2023. Collection method: clinical testing. Allele origin: germline.
Comment: The p.L658P variant (also known as c.1973T>C), located in coding exon 17 of the RAD54L gene, results from a T to C substitution at nucleotide position 1973. The leucine at codon 658 is replaced by proline, an amino acid with similar properties. This amino acid position is conserved. In addition, the in silico prediction for this alteration is inconclusive. Since supporting evidence is limited at this time, the clinical significance of this alteration remains unclear.